The following is an entry in ClinVar:

ClinVar aggregate classification (germline): Likely pathogenic (1 of 4 stars; one submission).

Conditions:
Multiple acyl-CoA dehydrogenase deficiency (MADD). Also called: Glutaric aciduria, type 2; ETHYLMALONIC-ADIPICACIDURIA; GA II; Glutaric Acidemia type 2; Glutaric acidemia type II; GA 2. Identifiers: Orphanet 26791, MedGen C0268596, MONDO:0009282, OMIM 231680.

Submission:

Women's Health and Genetics/Laboratory Corporation of America, LabCorp
Classification: Likely pathogenic for Multiple acyl-CoA dehydrogenase deficiency. Last evaluated: 2022-08-04. Review status: criteria provided, single submitter. Criteria: LabCorp Variant Classification Summary - May 2015. Collection method: clinical testing. Allele origin: germline.
Comment: Variant summary: ETFDH c.1813dupG (p.Val605GlyfsX3) results in a premature termination codon, predicted to cause a truncation of the encoded protein and affect the last 13 amino acids. Truncations downstream of this position have been classified as pathogenic in ClinVar or HGMD database. The variant was absent in 251396 control chromosomes. To our knowledge, no occurrence of c.1813dupG in individuals affected with Glutaric Aciduria, Type 2c and no experimental evidence demonstrating its impact on protein function have been reported. No clinical diagnostic laboratories have submitted clinical-significance assessments for this variant to ClinVar after 2014. Based on the evidence outlined above, the variant was classified as likely pathogenic.

NM_004453.4(ETFDH):c.1813dup (p.Val605fs)

Gene: ETFDH (electron transfer flavoprotein dehydrogenase; plus strand). Cytogenetic location: 4q32.1.
Variant type: Duplication.
Coding change: c.1813dup on transcript NM_004453.4 (MANE Select); coding-DNA position 1813, one base duplicated (G; older notation c.1813dupG).
Protein change: p.Val605fs; shifts the reading frame from valine 605.
Molecular consequence: frameshift variant.
Genome position (GRCh38, 1-based): chr4:158,708,486, G duplicated; the last of 2 consecutive G bases (chr4:158,708,485-158,708,486); duplicating either gives the same sequence. VCF-style (leftmost placement, unchanged base first): chr4-158708484-T-TG. GRCh37 (hg19) VCF-style: chr4-159629636-T-TG.
Other names: c.1672dup, p.Val558fs (NM_001281737.2); c.1630dup, p.Val544fs (NM_001281738.1); short protein forms V544fs, V558fs, V605fs.
Identifiers: ClinVar variation 1705037 (VCV001705037.1), dbSNP rs2476741684, ClinGen allele CA2580071651.